The following is an entry in ClinVar:

ClinVar aggregate classification (germline): Uncertain significance (1 of 4 stars; one submission).

Submission:

GeneDx
Classification: Uncertain significance. Last evaluated: 2024-05-19. Review status: criteria provided, single submitter. Criteria: GeneDx Variant Classification Process June 2021. Collection method: clinical testing. Allele origin: germline. Affected: yes.
Comment: Not observed at significant frequency in large population cohorts (gnomAD); In silico analysis supports that this missense variant has a deleterious effect on protein structure/function; Has not been previously published as pathogenic or benign to our knowledge

NM_015557.3(CHD5):c.4582G>C (p.Asp1528His)

Gene: CHD5 (chromodomain helicase DNA binding protein 5; minus strand). Cytogenetic location: 1p36.31.
Variant type: single nucleotide variant.
Coding change: c.4582G>C on transcript NM_015557.3 (MANE Select); coding-DNA position 4582, G replaced by C.
Protein change: p.Asp1528His; replaces aspartic acid 1528 with histidine.
Molecular consequence: missense variant.
Genome position (GRCh38, 1-based): chr1:6,124,065, C>G on the plus strand (G>C on the coding strand, the complement: CHD5 is on the minus strand). VCF-style: chr1-6124065-C-G. GRCh37 (hg19) VCF-style: chr1-6184125-C-G.
Other names: short protein forms D1528H.
Identifiers: ClinVar variation 3381547 (VCV003381547.1).